The following is an entry in ClinVar:

ClinVar aggregate classification (germline): Uncertain significance (1 of 4 stars; one submission).

Conditions:
Neurofibromatosis, type 1 (NF1). Also called: NEUROFIBROMATOSIS, TYPE I, SOMATIC; Neurofibromatosis, type I; VON RECKLINGHAUSEN DISEASE; Peripheral type neurofibromatosis. Identifiers: Orphanet 636, MedGen C0027831, MONDO:0018975, OMIM 162200. Disease mechanism: loss of function.

Submission:

Labcorp Genetics (formerly Invitae), Labcorp
Classification: Uncertain significance for Neurofibromatosis, type 1. Last evaluated: 2024-05-22. Review status: criteria provided, single submitter. Criteria: Invitae Variant Classification Sherloc (09022015). Collection method: clinical testing. Allele origin: germline.
Comment: This sequence change replaces asparagine, which is neutral and polar, with histidine, which is basic and polar, at codon 214 of the NF1 protein (p.Asn214His). This variant is not present in population databases (gnomAD no frequency). This variant has not been reported in the literature in individuals affected with NF1-related conditions. ClinVar contains an entry for this variant (Variation ID: 1061379). Advanced modeling of protein sequence and biophysical properties (such as structural, functional, and spatial information, amino acid conservation, physicochemical variation, residue mobility, and thermodynamic stability) has been performed at Invitae for this missense variant, however the output from this modeling did not meet the statistical confidence thresholds required to predict the impact of this variant on NF1 protein function. In summary, the available evidence is currently insufficient to determine the role of this variant in disease. Therefore, it has been classified as a Variant of Uncertain Significance.

NM_001042492.3(NF1):c.640A>C (p.Asn214His)

Gene: NF1 (neurofibromin 1; plus strand). Cytogenetic location: 17q11.2.
Variant type: single nucleotide variant.
Coding change: c.640A>C on transcript NM_001042492.3 (MANE Select); coding-DNA position 640, A replaced by C.
Protein change: p.Asn214His; replaces asparagine 214 with histidine.
Molecular consequence: missense variant.
Genome position (GRCh38, 1-based): chr17:31,181,475, A>C. VCF-style: chr17-31181475-A-C. GRCh37 (hg19) VCF-style: chr17-29508493-A-C.
Other names: c.640A>C, p.Asn214His (NM_000267.4, NM_001128147.3); short protein forms N214H.
Identifiers: ClinVar variation 1061379 (VCV001061379.5), dbSNP rs2143774553, ClinGen allele CA398989441.